The following is an entry in ClinVar:

NM_033028.5(BBS4):c.1106+7A>C

Gene: BBS4 (Bardet-Biedl syndrome 4; plus strand). Cytogenetic location: 15q24.1.
Variant type: single nucleotide variant.
Coding change: c.1106+7A>C on transcript NM_033028.5 (MANE Select); 7 bases into the intron after coding-DNA position 1106, A replaced by C.
Molecular consequence: intron variant.
Genome position (GRCh38, 1-based): chr15:72,735,189, A>C. VCF-style: chr15-72735189-A-C. GRCh37 (hg19) VCF-style: chr15-73027530-A-C.
Other names: c.1106+7A>C (NM_033028.4); c.1037+7A>C (NM_001320665.2); c.590+7A>C (NM_001252678.2).
Identifiers: ClinVar variation 2714865 (VCV002714865.4), dbSNP rs1567433032, ClinGen allele CA2186920677.

ClinVar aggregate classification (germline): Likely benign. Review status: criteria provided, multiple submitters, no conflicts (2 of 4 stars). 2 submissions from 2 submitters: Likely benign (2). Last evaluated 2025-07-29.

Conditions:
BBS4-related disorder. Also called: BBS4-related condition.
Bardet-Biedl syndrome (BBS). Identifiers: Orphanet 110, MedGen C0752166, MONDO:0015229.

Allele frequency attached by ClinVar (database versions not stated): TOPMed 0.00001.
gnomAD v4.1: 5 of 1,611,654 alleles (0.00031%); highest among the groups gnomAD compares: Non-Finnish European, 0.00042%; no homozygotes.

Submissions (2):

PreventionGenetics, part of Exact Sciences
Classification: Likely benign for BBS4-related condition. Last evaluated: 2025-07-29. Review status: criteria provided, single submitter. Criteria: ACMG Guidelines, 2015. Collection method: clinical testing. Allele origin: germline.
Comment: This variant is classified as likely benign based on ACMG/AMP sequence variant interpretation guidelines (Richards et al. 2015 PMID: 25741868, with internal and published modifications).

Labcorp Genetics (formerly Invitae), Labcorp
Classification: Likely benign for Bardet-Biedl syndrome. Last evaluated: 2024-07-31. Review status: criteria provided, single submitter. Criteria: Invitae Variant Classification Sherloc (09022015). Collection method: clinical testing. Allele origin: germline.